The following is an entry in ClinVar:

NC_000014.8:g.(?_58894347)_(58899195_?)dup

Gene: KIAA0586 (KIAA0586; plus strand). Cytogenetic location: 14q23.1.
Variant type: Duplication.
Identifiers: ClinVar variation 2424015 (VCV002424015.4).

ClinVar aggregate classification (germline): Uncertain significance (1 of 4 stars; one submission).

Conditions:
Joubert syndrome 23 (JBTS23). Identifiers: Orphanet 475, MedGen C4084822, MONDO:0014664, OMIM 616490.
Short-rib thoracic dysplasia 14 with polydactyly (SRTD14). Identifiers: Orphanet 397715, MedGen C4225286, MONDO:0014688, OMIM 616546.

Submission:

Labcorp Genetics (formerly Invitae), Labcorp
Classification: Uncertain significance for Joubert syndrome 23; Short-rib thoracic dysplasia 14 with polydactyly. Last evaluated: 2022-05-24. Review status: criteria provided, single submitter. Criteria: Invitae Variant Classification Sherloc (09022015). Collection method: clinical testing. Allele origin: germline.
Comment: In summary, the available evidence is currently insufficient to determine the role of this variant in disease. Therefore, it has been classified as a Variant of Uncertain Significance. This variant results in a copy number gain of the genomic region encompassing exon(s) 1-5 of the KIAA0586 gene. This region includes the initiator codon of the gene. This copy number gain extends beyond the assayed region for this gene and therefore may encompass additional genes. As the precise location of this event is unknown, it may be in tandem or it may be located elsewhere in the genome. This variant has not been reported in the literature in individuals affected with KIAA0586-related conditions. Experimental studies and prediction algorithms are not available or were not evaluated, and the functional significance of this variant is currently unknown.